The following is an entry in ClinVar:

ClinVar aggregate classification (germline): Uncertain significance. Review status: criteria provided, multiple submitters, no conflicts (2 of 4 stars). 2 submissions from 2 submitters: Uncertain significance (2). Last evaluated 2023-07-22.

Conditions:
Pontocerebellar hypoplasia, type 1E. Identifiers: MedGen C5543328, MONDO:0030260, OMIM 619303.
Neuropathy, hereditary motor and sensory, type 6B (HMSN6B). Also called: Neuropathy, hereditary motor and sensory, type VIB; HMSN VIB; CHARCOT-MARIE-TOOTH DISEASE, TYPE 6B; NEUROPATHY, HEREDITARY MOTOR AND SENSORY, TYPE VIB, WITH OPTIC ATROPHY. Identifiers: MedGen C4225302, MONDO:0014671, OMIM 616505.

Submissions (2):

Neuberg Centre For Genomic Medicine, NCGM
Classification: Uncertain significance for Pontocerebellar hypoplasia, type 1E. Last evaluated: 2023-07-22. Review status: criteria provided, single submitter. Criteria: ACMG Guidelines, 2015. Collection method: clinical testing. Allele origin: germline. Inheritance: Autosomal recessive inheritance. Affected: yes.
Comment: The observed splice donor c.620+4_620+7del variant in SLC25A46 gene has not been reported previously as a pathogenic variant nor as a benign variant, to our knowledge. This variant is reported with the allele frequency of 0% in the gnomAD Exomes. This variant has been reported to the ClinVar database as Uncertain Significance. The variant affects the GT donor splice site downstream of exon 6. This variant is predicted to cause loss of normal protein function through protein truncation. Loss of function variants have been previously reported to be disease causing. However, since this variant is present in the penultimate intron, functional studies will be required to prove protein truncation. The spliceAI tool predicts that this splice site variant is damaging. For these reasons, this variant has been classified as Uncertain Significance.

Labcorp Genetics (formerly Invitae), Labcorp
Classification: Uncertain significance for Neuropathy, hereditary motor and sensory, type 6B. Last evaluated: 2022-04-01. Review status: criteria provided, single submitter. Criteria: Invitae Variant Classification Sherloc (09022015). Collection method: clinical testing. Allele origin: germline.
Comment: This sequence change falls in intron 6 of the SLC25A46 gene. It does not directly change the encoded amino acid sequence of the SLC25A46 protein. It affects a nucleotide within the consensus splice site. This variant is not present in population databases (gnomAD no frequency). This variant has not been reported in the literature in individuals affected with SLC25A46-related conditions. ClinVar contains an entry for this variant (Variation ID: 641936). Variants that disrupt the consensus splice site are a relatively common cause of aberrant splicing (PMID: 17576681, 9536098). Algorithms developed to predict the effect of sequence changes on RNA splicing suggest that this variant may disrupt the consensus splice site. In summary, the available evidence is currently insufficient to determine the role of this variant in disease. Therefore, it has been classified as a Variant of Uncertain Significance.

Literature cited by the submitters: PubMed 17576681 (cited by Labcorp Genetics (formerly Invitae), Labcorp); PubMed 9536098 (cited by Labcorp Genetics (formerly Invitae), Labcorp).

NM_138773.4(SLC25A46):c.620+4_620+7del

Gene: SLC25A46 (solute carrier family 25 member 46; plus strand). Cytogenetic location: 5q22.1.
Variant type: Deletion.
Coding change: c.620+4_620+7del on transcript NM_138773.4 (MANE Select); bases 4 to 7 of the intron after coding-DNA position 620, 4 bases deleted (AGTA; older notation c.620+4_620+7delAGTA).
Molecular consequence: splice donor variant.
Genome position (GRCh38, 1-based): chr5:110,755,525-110,755,528, AGTA deleted; deleting any 4 consecutive bases within chr5:110,755,522-110,755,528 gives the same sequence; the c. name uses the placement nearest the transcript's 3' end. VCF-style (leftmost placement, unchanged base first): chr5-110755521-CGTAA-C. GRCh37 (hg19) VCF-style: chr5-110091221-CGTAA-C.
Other names: c.347+4_347+7del (NM_001303250.3); c.620+4_620+7del (NM_001303249.3); c.620+4_620+7delAGTA (NM_138773.2).
Identifiers: ClinVar variation 641936 (VCV000641936.5), dbSNP rs1580866253, ClinGen allele CA562040584.